The following is an entry in ClinVar:

NM_152594.3(SPRED1):c.864A>C (p.Lys288Asn)

Gene: SPRED1 (sprouty related EVH1 domain containing 1; plus strand). Cytogenetic location: 15q14.
Variant type: single nucleotide variant.
Coding change: c.864A>C on transcript NM_152594.3 (MANE Select); coding-DNA position 864, A replaced by C.
Protein change: p.Lys288Asn; replaces lysine 288 with asparagine.
Molecular consequence: missense variant.
Genome position (GRCh38, 1-based): chr15:38,351,193, A>C. VCF-style: chr15-38351193-A-C. GRCh37 (hg19) VCF-style: chr15-38643394-A-C.
Other names: c.864A>C (NM_152594.2); short protein forms K288N.
Identifiers: ClinVar variation 1517921 (VCV001517921.10), dbSNP rs777379558, ClinGen allele CA7470192.
Genomic context (GRCh38, chr15:38,351,193, plus strand): 5'-AAATGACTTGGAAAGAGATGATGCTGATTCCAGTATTCAGTTTTCTAAACCAGACAGTAA[A>C]AAATCAGACTATCTGTACTCTTGTGGGGATGAGACTAAGTTAAGTTCACCCAAAGACTCT-3'
Protein context (NP_689807.1, residues 278-298): SSIQFSKPDS[Lys288Asn]KSDYLYSCGD

ClinVar aggregate classification (germline): Conflicting classifications of pathogenicity. Review status: criteria provided, conflicting classifications (1 of 4 stars). 3 submissions from 3 submitters: Uncertain significance (2); Likely benign (1). Last evaluated 2025-06-10.

Conditions:
Legius syndrome. Identifiers: Orphanet 137605, MedGen C1969623, MONDO:0012669, OMIM 611431. Disease mechanism: loss of function.
Cardiovascular phenotype. Identifiers: MedGen CN230736.

Allele frequency attached by ClinVar (database versions not stated): TOPMed below 0.00001; gnomAD exomes 0.00001 and 0.00003; ExAC 0.00002.
gnomAD v4.1: 8 of 1,614,162 alleles (0.0005%); highest among the groups gnomAD compares: Admixed American, 0.013%; no homozygotes.

Submissions (3):

Labcorp Genetics (formerly Invitae), Labcorp
Classification: Uncertain significance for Legius syndrome. Last evaluated: 2025-06-10. Review status: criteria provided, single submitter. Criteria: Invitae Variant Classification Sherloc (09022015). Collection method: clinical testing. Allele origin: germline.
Comment: This sequence change replaces lysine, which is basic and polar, with asparagine, which is neutral and polar, at codon 288 of the SPRED1 protein (p.Lys288Asn). This variant is present in population databases (rs777379558, gnomAD 0.02%). This variant has not been reported in the literature in individuals affected with SPRED1-related conditions. ClinVar contains an entry for this variant (Variation ID: 1517921). Invitae Evidence Modeling of protein sequence and biophysical properties (such as structural, functional, and spatial information, amino acid conservation, physicochemical variation, residue mobility, and thermodynamic stability) indicates that this missense variant is not expected to disrupt SPRED1 protein function with a negative predictive value of 80%. In summary, the available evidence is currently insufficient to determine the role of this variant in disease. Therefore, it has been classified as a Variant of Uncertain Significance.

GeneDx
Classification: Uncertain significance. Last evaluated: 2025-03-11. Review status: criteria provided, single submitter. Criteria: GeneDx Variant Classification Process June 2021. Collection method: clinical testing. Allele origin: germline. Affected: yes.
Comment: In silico analysis indicates that this missense variant does not alter protein structure/function; Has not been previously published as pathogenic or benign to our knowledge

Ambry Genetics
Classification: Likely benign for Cardiovascular phenotype. Last evaluated: 2024-12-10. Review status: criteria provided, single submitter. Criteria: Ambry Variant Classification Scheme 2023. Collection method: clinical testing. Allele origin: germline.